The following is an entry in ClinVar:

ClinVar aggregate classification (germline): Uncertain significance (1 of 4 stars; one submission).

Allele frequency attached by ClinVar (database versions not stated): ExAC 0.00001; gnomAD exomes 0.00001; TOPMed 0.00001.
gnomAD v4.1: 10 of 1,613,998 alleles (0.00062%); highest among the groups gnomAD compares: South Asian, 0.0099%; no homozygotes.

Submission:

Labcorp Genetics (formerly Invitae), Labcorp
Classification: Uncertain significance. Last evaluated: 2022-10-13. Review status: criteria provided, single submitter. Criteria: Invitae Variant Classification Sherloc (09022015). Collection method: clinical testing. Allele origin: germline.
Comment: This sequence change replaces proline, which is neutral and non-polar, with serine, which is neutral and polar, at codon 267 of the KIAA1549 protein (p.Pro267Ser). This variant is present in population databases (rs746657582, gnomAD 0.01%). This variant has not been reported in the literature in individuals affected with KIAA1549-related conditions. ClinVar contains an entry for this variant (Variation ID: 944786). Algorithms developed to predict the effect of missense changes on protein structure and function are either unavailable or do not agree on the potential impact of this missense change (SIFT: "Deleterious"; PolyPhen-2: "Possibly Damaging"; Align-GVGD: "Class C0"). In summary, the available evidence is currently insufficient to determine the role of this variant in disease. Therefore, it has been classified as a Variant of Uncertain Significance.

NM_001164665.2(KIAA1549):c.799C>T (p.Pro267Ser)

Gene: KIAA1549 (KIAA1549; minus strand). Cytogenetic location: 7q34.
Variant type: single nucleotide variant.
Coding change: c.799C>T on transcript NM_001164665.2 (MANE Select); coding-DNA position 799, C replaced by T.
Protein change: p.Pro267Ser; replaces proline 267 with serine.
Molecular consequence: missense variant.
Genome position (GRCh38, 1-based): chr7:138,918,827, G>A on the plus strand (C>T on the coding strand, the complement: KIAA1549 is on the minus strand). VCF-style: chr7-138918827-G-A. GRCh37 (hg19) VCF-style: chr7-138603573-G-A.
Other names: c.799C>T, p.Pro267Ser (NM_020910.3); short protein forms P267S.
Identifiers: ClinVar variation 944786 (VCV000944786.5), dbSNP rs746657582, ClinGen allele CA4506866.